The following is an entry in ClinVar:

NM_018723.4(RBFOX1):c.643G>C (p.Val215Leu)

Gene: RBFOX1 (RNA binding fox-1 homolog 1; plus strand). Cytogenetic location: 16p13.3.
Variant type: single nucleotide variant.
Coding change: c.643G>C on transcript NM_018723.4 (MANE Select); coding-DNA position 643, G replaced by C.
Protein change: p.Val215Leu; replaces valine 215 with leucine.
Molecular consequence: missense variant.
Genome position (GRCh38, 1-based): chr16:7,607,305, G>C. VCF-style: chr16-7607305-G-C. GRCh37 (hg19) VCF-style: chr16-7657307-G-C.
Other names: c.643G>C, p.Val215Leu (NM_001142333.2, NM_001142334.2, NM_001364800.2); c.772G>C, p.Val258Leu (NM_001308117.1); c.703G>C, p.Val235Leu (NM_145891.3, NM_145892.3, NM_145893.3); short protein forms V215L, V235L, V258L.
Identifiers: ClinVar variation 967813 (VCV000967813.10), dbSNP rs141994899, ClinGen allele CA7891595.

ClinVar aggregate classification (germline): Uncertain significance (1 of 4 stars; one submission).

Conditions:
Idiopathic generalized epilepsy. Also called: Generalised epilepsy; EIG. Identifiers: MedGen C0270850, MONDO:0005579, OMIM 600669.

Allele frequency attached by ClinVar (database versions not stated): gnomAD exomes 0.00006 and 0.00012; ExAC 0.00007; gnomAD 0.00009; TOPMed 0.00009; ESP Exome Variant Server 0.00015.
gnomAD v4.1: 181 of 1,610,548 alleles (0.011%); highest among the groups gnomAD compares: Non-Finnish European, 0.015%; no homozygotes.

Submission:

Labcorp Genetics (formerly Invitae), Labcorp
Classification: Uncertain significance for Idiopathic generalized epilepsy. Last evaluated: 2026-01-28. Review status: criteria provided, single submitter. Criteria: Invitae Variant Classification Sherloc (09022015). Collection method: clinical testing. Allele origin: germline.
Comment: This sequence change replaces valine, which is neutral and non-polar, with leucine, which is neutral and non-polar, at codon 235 of the RBFOX1 protein (p.Val235Leu). This variant is present in population databases (rs141994899, gnomAD 0.01%). This variant has not been reported in the literature in individuals affected with RBFOX1-related conditions. ClinVar contains an entry for this variant (Variation ID: 967813). Invitae Evidence Modeling of protein sequence and biophysical properties (such as structural, functional, and spatial information, amino acid conservation, physicochemical variation, residue mobility, and thermodynamic stability) indicates that this missense variant is not expected to disrupt RBFOX1 protein function with a negative predictive value of 80%. In summary, the available evidence is currently insufficient to determine the role of this variant in disease. Therefore, it has been classified as a Variant of Uncertain Significance.